The following is an entry in ClinVar:

ClinVar aggregate classification (germline): Pathogenic (3 of 4 stars; one submission).

Conditions:
Creatine transporter deficiency (CCDS1). Also called: CEREBRAL CREATINE DEFICIENCY SYNDROME 1; Mental retardation , X-linked with seizures, short stature and midface hypoplasia; Mental retardation , X-linked, with creatine transport deficiency; X-linked creatine transporter deficiency; X-linked creatine deficiency syndrome; SLC6A8-Related Creatine Transporter Deficiency. Identifiers: Orphanet 52503, MedGen C1845862, MONDO:0010305, OMIM 300352.

Submission:

ClinGen Cerebral Creatine Deficiency Syndromes Variant Curation Expert Panel, ClinGen
Classification: Pathogenic for Creatine transporter deficiency. Last evaluated: 2023-12-14. Review status: reviewed by expert panel. Criteria: ClinGen_CCDS_ACMG_Specifications_SLC6A8_v1.1. Collection method: curation. Allele origin: germline. Inheritance: X-linked inheritance.
Comment: The NM_005629.4:c.1495+2T>G variant in SLC6A8 occurs within the canonical splice donor site of intron 10. This variant is predicted to abolish splicing at the intron 10 donor splice site. To our knowledge, the results of no RNA studies are available to indicate the impact of this variant on splicing. One possibility if the exon 10 is skipped. However, the in silico splice predictor, SpliceAI, predicts use of a cryptic splice site 26 base pairs upstream from the normal donor splice site (SpliceAI score for donor gain = 0.8). If used, the last 26 bp of exon 10 would be lost. In either case, a shift in the reading frame resulting in a premature termination codon and nonsense-mediated decay is predicted (PVS1). The variant is absent in gnomAD v4.0. (PM2_Supporting). There is no ClinVar entry for this variant. In summary, this variant meets criteria to be classified as pathogenic for creatine transporter deficiency. SLC6A8-specific ACMG/AMP criteria applied, as specified by the ClinGen CCDS VCEP (Specifications Version 1.1.0): PVS1, PP4_Strong, PM2_Supporting. (Classification approved by the ClinGen CCDS VCEP on December 14, 2023).

NM_005629.4(SLC6A8):c.1495+2T>G

Gene: SLC6A8 (solute carrier family 6 member 8; plus strand). Cytogenetic location: Xq28.
Variant type: single nucleotide variant.
Coding change: c.1495+2T>G on transcript NM_005629.4 (MANE Select); the canonical splice donor site of the intron after coding-DNA position 1495, T replaced by G.
Molecular consequence: splice donor variant.
Genome position (GRCh38, 1-based): chrX:153,694,448, T>G. VCF-style: chrX-153694448-T-G. GRCh37 (hg19) VCF-style: chrX-152959903-T-G.
Other names: NM_001142805.2:c.1465+2T>G; c.1465+2T>G (NM_001142805.2); c.1150+2T>G (NM_001142806.1).
Identifiers: ClinVar variation 2683730 (VCV002683730.1), dbSNP rs2522167771, ClinGen allele CA415087966.